The following is an entry in ClinVar:

ClinVar aggregate classification (germline): Uncertain significance (1 of 4 stars; one submission).

Allele frequency attached by ClinVar (database versions not stated): gnomAD exomes 0.00001 and 0.00002; ExAC 0.00002; TOPMed 0.00002.
gnomAD v4.1: 7 of 1,612,890 alleles (0.00043%); highest among the groups gnomAD compares: Admixed American, 0.0067%; no homozygotes.

Submission:

Labcorp Genetics (formerly Invitae), Labcorp
Classification: Uncertain significance. Last evaluated: 2025-03-17. Review status: criteria provided, single submitter. Criteria: Invitae Variant Classification Sherloc (09022015). Collection method: clinical testing. Allele origin: germline.
Comment: This sequence change replaces valine, which is neutral and non-polar, with alanine, which is neutral and non-polar, at codon 318 of the GFAP protein (p.Val318Ala). This variant is present in population databases (rs778466105, gnomAD 0.009%). This variant has not been reported in the literature in individuals affected with GFAP-related conditions. ClinVar contains an entry for this variant (Variation ID: 1485230). Invitae Evidence Modeling of protein sequence and biophysical properties (such as structural, functional, and spatial information, amino acid conservation, physicochemical variation, residue mobility, and thermodynamic stability) indicates that this missense variant is not expected to disrupt GFAP protein function with a negative predictive value of 95%. In summary, the available evidence is currently insufficient to determine the role of this variant in disease. Therefore, it has been classified as a Variant of Uncertain Significance.

NM_002055.5(GFAP):c.953T>C (p.Val318Ala)

Gene: GFAP (glial fibrillary acidic protein; minus strand). Cytogenetic location: 17q21.31.
Variant type: single nucleotide variant.
Coding change: c.953T>C on transcript NM_002055.5 (MANE Select); coding-DNA position 953, T replaced by C.
Protein change: p.Val318Ala; replaces valine 318 with alanine.
Molecular consequence: missense variant.
Genome position (GRCh38, 1-based): chr17:44,911,410, A>G on the plus strand (T>C on the coding strand, the complement: GFAP is on the minus strand). VCF-style: chr17-44911410-A-G. GRCh37 (hg19) VCF-style: chr17-42988778-A-G.
Other names: c.953T>C, p.Val318Ala (NM_001131019.3, NM_001242376.3, NM_001363846.2); short protein forms V318A.
Identifiers: ClinVar variation 1485230 (VCV001485230.8), dbSNP rs778466105, ClinGen allele CA8608785.